The following is an entry in ClinVar:

NM_024675.4(PALB2):c.2174C>G (p.Ser725Ter)

Gene: PALB2 (partner and localizer of BRCA2; minus strand). Cytogenetic location: 16p12.2.
Variant type: single nucleotide variant.
Coding change: c.2174C>G on transcript NM_024675.4 (MANE Select); coding-DNA position 2174, C replaced by G.
Protein change: p.Ser725Ter; replaces serine 725 with a stop codon.
Molecular consequence: nonsense. On other transcripts: intron variant (1).
Genome position (GRCh38, 1-based): chr16:23,629,980, G>C on the plus strand (C>G on the coding strand, the complement: PALB2 is on the minus strand). VCF-style: chr16-23629980-G-C. GRCh37 (hg19) VCF-style: chr16-23641301-G-C.
Other names: c.2114C>G, p.Ser705Ter (NM_001407296.1); c.2174C>G, p.Ser725Ter (NM_001407297.1, NM_001407298.1, NM_001407299.1 and 3 more transcripts); c.1289C>G, p.Ser430Ter (NM_001407304.1, NM_001407305.1, NM_001407306.1 and 5 more transcripts); c.386C>G, p.Ser129Ter (NM_001407312.1, NM_001407313.1); c.49-705C>G (NM_001407314.1); short protein forms S129*, S430*, S705*, S725*.
Identifiers: ClinVar variation 2674119 (VCV002674119.1), dbSNP rs1567217931, ClinGen allele CA395125643.

ClinVar aggregate classification (germline): Pathogenic (1 of 4 stars; one submission).

Conditions:
Familial cancer of breast. Also called: Hereditary breast cancer; BREAST CANCER, FAMILIAL; hereditary breast carcinoma. Identifiers: Orphanet 227535, MedGen C0346153, MONDO:0016419, OMIM 114480. Disease mechanism: loss of function.

Submission:

Myriad Genetics, Inc.
Classification: Pathogenic for Familial cancer of breast. Last evaluated: 2023-08-22. Review status: criteria provided, single submitter. Criteria: Myriad Autosomal Dominant, Autosomal Recessive and X-Linked Classification Criteria (2023). Collection method: clinical testing. Allele origin: unknown.
Comment: This variant is considered pathogenic. This variant creates a termination codon and is predicted to result in premature protein truncation.